The following is an entry in ClinVar:

ClinVar aggregate classification (germline): Uncertain significance (1 of 4 stars; one submission).

Conditions:
Diamond-Blackfan anemia. Also called: Blackfan Diamond syndrome; Aregenerative anemia chronic congenital; Red cell aplasia, pure hereditary; Congenital hypoplastic anemia; Aase syndrome. Identifiers: Orphanet 124, MedGen C1260899, MeSH D029503, MONDO:0015253, HP:0004810.

Submission:

Ambry Genetics
Classification: Uncertain significance for Diamond-Blackfan anemia. Last evaluated: 2015-02-10. Review status: criteria provided, single submitter. Criteria: Ambry Variant Classification Scheme 2023. Collection method: clinical testing. Allele origin: germline.
Comment: The p.C23R variant (also known as c.67T>C), located in coding exon 2 of the RPS26 gene, results from a T to C substitution at nucleotide position 67. The cysteine at codon 23 is replaced by arginine, an amino acid with highly dissimilar properties. This variant was not reported in population based cohorts in the following databases: Database of Single Nucleotide Polymorphisms (dbSNP), NHLBI Exome Sequencing Project (ESP), and 1000 Genomes Project. In the ESP, this variant was not observed in 6498 samples (12996 alleles) with coverage at this position. This amino acid position is highly conserved in available vertebrate species. In addition, this alteration is predicted to be deleterious by in silico analysis. Since supporting evidence is limited at this time, the clinical significance of this variant remains unclear.

NM_001029.5(RPS26):c.67T>C (p.Cys23Arg)

Gene: RPS26 (ribosomal protein S26; plus strand). Cytogenetic location: 12q13.2.
Variant type: single nucleotide variant.
Coding change: c.67T>C on transcript NM_001029.5 (MANE Select); coding-DNA position 67, T replaced by C.
Protein change: p.Cys23Arg; replaces cysteine 23 with arginine.
Molecular consequence: missense variant.
Genome position (GRCh38, 1-based): chr12:56,042,488, T>C. VCF-style: chr12-56042488-T-C. GRCh37 (hg19) VCF-style: chr12-56436272-T-C.
Other names: short protein forms C23R.
Identifiers: ClinVar variation 1755523 (VCV001755523.2), dbSNP rs2540722812, ClinGen allele CA385326393.
Genomic context (GRCh38, chr12:56,042,488, plus strand): 5'-AAGAAAAGAAGGAACAATGGTCGTGCCAAAAAGGGCCGCGGCCACGTGCAGCCTATTCGC[T>C]GCACTAACTGTGCCCGATGCGTGCCCAAGGACAAGGCCATTAAGAAATTCGTCATTCGAA-3'
Protein context (NP_001020.2, residues 13-33): KGRGHVQPIR[Cys23Arg]TNCARCVPKD